The following is an entry in ClinVar:

NM_182961.4(SYNE1):c.9495A>C (p.Glu3165Asp)

Gene: SYNE1 (spectrin repeat containing nuclear envelope protein 1; minus strand). Cytogenetic location: 6q25.2.
Variant type: single nucleotide variant.
Coding change: c.9495A>C on transcript NM_182961.4 (MANE Select); coding-DNA position 9495, A replaced by C.
Protein change: p.Glu3165Asp; replaces glutamic acid 3165 with aspartic acid.
Molecular consequence: missense variant.
Genome position (GRCh38, 1-based): chr6:152,373,049, T>G on the plus strand (A>C on the coding strand, the complement: SYNE1 is on the minus strand). VCF-style: chr6-152373049-T-G. GRCh37 (hg19) VCF-style: chr6-152694184-T-G.
Other names: c.9516A>C, p.Glu3172Asp (NM_033071.5); short protein forms E3172D, E3165D.
Identifiers: ClinVar variation 805590 (VCV000805590.29), dbSNP rs6913579, ClinGen allele CA4057315.

ClinVar aggregate classification (germline): Uncertain significance. Review status: criteria provided, multiple submitters, no conflicts (2 of 4 stars). 3 submissions from 3 submitters: Uncertain significance (3). Last evaluated 2022-12-01.

Conditions:
Autosomal recessive ataxia, Beauce type. Also called: SYNE1 Deficiency; Spinocerebellar ataxia, autosomal recessive 8; SYNE1-Related Autosomal Recessive Cerebellar Ataxia; ATAXIA, RECESSIVE, OF BEAUCE. Identifiers: Orphanet 88644, MedGen C1853116, MONDO:0012549, OMIM 610743.
Emery-Dreifuss muscular dystrophy 4, autosomal dominant (EDMD4). Also called: EMERY-DREIFUSS MUSCULAR DYSTROPHY 4 WITH VARIABLE FEATURES. Identifiers: Orphanet 261, MedGen C2751807, MONDO:0013071, OMIM 612998.

gnomAD v4.1: 97 of 1,613,762 alleles (0.006%); highest among the groups gnomAD compares: Non-Finnish European, 0.0077%; no homozygotes.

Submissions (3):

CeGaT Center for Human Genetics Tuebingen
Classification: Uncertain significance. Last evaluated: 2022-12-01. Review status: criteria provided, single submitter. Criteria: CeGaT Center For Human Genetics Tuebingen Variant Classification Criteria Version 2. Collection method: clinical testing. Allele origin: germline. Affected: yes. Observed: 1 variant allele.
Comment: SYNE1: PM2, BP4

Labcorp Genetics (formerly Invitae), Labcorp
Classification: Uncertain significance for Emery-Dreifuss muscular dystrophy 4, autosomal dominant; Autosomal recessive ataxia, Beauce type. Last evaluated: 2022-07-18. Review status: criteria provided, single submitter. Criteria: Invitae Variant Classification Sherloc (09022015). Collection method: clinical testing. Allele origin: germline.
Comment: In summary, the available evidence is currently insufficient to determine the role of this variant in disease. Therefore, it has been classified as a Variant of Uncertain Significance. Algorithms developed to predict the effect of missense changes on protein structure and function are either unavailable or do not agree on the potential impact of this missense change (SIFT: "Deleterious"; PolyPhen-2: "Benign"; Align-GVGD: "Class C35"). ClinVar contains an entry for this variant (Variation ID: 805590). This variant has not been reported in the literature in individuals affected with SYNE1-related conditions. This variant is present in population databases (rs6913579, gnomAD 0.004%). This sequence change replaces glutamic acid, which is acidic and polar, with aspartic acid, which is acidic and polar, at codon 3172 of the SYNE1 protein (p.Glu3172Asp).

Athena Diagnostics
Classification: Uncertain significance. Last evaluated: 2018-10-29. Review status: criteria provided, single submitter. Criteria: Athena Diagnostics Criteria. Collection method: clinical testing. Allele origin: germline.